The following is an entry in ClinVar:

ClinVar aggregate classification (germline): Uncertain significance. Review status: criteria provided, multiple submitters, no conflicts (2 of 4 stars). 2 submissions from 2 submitters: Uncertain significance (2). Last evaluated 2024-08-13.

Conditions:
Familial cold autoinflammatory syndrome 2 (FCAS2). Identifiers: Orphanet 247868, MedGen C2673198, MONDO:0012724, OMIM 611762.

gnomAD v4.1: 24 of 1,614,134 alleles (0.0015%); highest among the groups gnomAD compares: East Asian, 0.011%; no homozygotes.

Submissions (2):

Labcorp Genetics (formerly Invitae), Labcorp
Classification: Uncertain significance for Familial cold autoinflammatory syndrome 2. Last evaluated: 2024-08-13. Review status: criteria provided, single submitter. Criteria: Invitae Variant Classification Sherloc (09022015). Collection method: clinical testing. Allele origin: germline.
Comment: This sequence change replaces lysine, which is basic and polar, with arginine, which is basic and polar, at codon 644 of the NLRP12 protein (p.Lys644Arg). This variant is present in population databases (rs199602036, gnomAD 0.006%). This variant has not been reported in the literature in individuals affected with NLRP12-related conditions. An algorithm developed to predict the effect of missense changes on protein structure and function outputs the following: PolyPhen-2: "Benign". The arginine amino acid residue is found in multiple mammalian species, which suggests that this missense change does not adversely affect protein function. In summary, the available evidence is currently insufficient to determine the role of this variant in disease. Therefore, it has been classified as a Variant of Uncertain Significance.

Blueprint Genetics
Classification: Uncertain significance. Last evaluated: 2022-04-12. Review status: criteria provided, single submitter. Criteria: ACMG Guidelines, 2015. Collection method: clinical testing. Allele origin: germline.

NM_144687.4(NLRP12):c.1931A>G (p.Lys644Arg)

Gene: NLRP12 (NLR family pyrin domain containing 12; minus strand). Cytogenetic location: 19q13.42.
Variant type: single nucleotide variant.
Coding change: c.1931A>G on transcript NM_144687.4 (MANE Select); coding-DNA position 1931, A replaced by G.
Protein change: p.Lys644Arg; replaces lysine 644 with arginine.
Molecular consequence: missense variant.
Genome position (GRCh38, 1-based): chr19:53,809,728, T>C on the plus strand (A>G on the coding strand, the complement: NLRP12 is on the minus strand). VCF-style: chr19-53809728-T-C. GRCh37 (hg19) VCF-style: chr19-54312982-T-C.
Other names: c.1931A>G, p.Lys644Arg (NM_001277126.2, NM_001277129.1); short protein forms K644R.
Identifiers: ClinVar variation 3703761 (VCV003703761.3).